The following is an entry in ClinVar:

NM_001375405.1(CEP120):c.1175C>G (p.Ser392Ter)

Gene: CEP120 (centrosomal protein 120; minus strand). Cytogenetic location: 5q23.2.
Variant type: single nucleotide variant.
Coding change: c.1175C>G on transcript NM_001375405.1 (MANE Select); coding-DNA position 1175, C replaced by G.
Protein change: p.Ser392Ter; replaces serine 392 with a stop codon.
Molecular consequence: nonsense. On other transcripts: non-coding transcript variant (1).
Genome position (GRCh38, 1-based): chr5:123,390,004, G>C on the plus strand (C>G on the coding strand, the complement: CEP120 is on the minus strand). VCF-style: chr5-123390004-G-C. GRCh37 (hg19) VCF-style: chr5-122725698-G-C.
Other names: c.1097C>G, p.Ser366Ter (NM_001166226.2); c.1040C>G, p.Ser347Ter (NM_001375406.1); c.1175C>G, p.Ser392Ter (NM_001375407.1, NM_153223.4); c.602C>G, p.Ser201Ter (NM_001375408.1, NM_001375409.1); short protein forms S201*, S347*, S366*, S392*.
Identifiers: ClinVar variation 3723419 (VCV003723419.2).

ClinVar aggregate classification (germline): Pathogenic (1 of 4 stars; one submission).

Conditions:
Short-rib thoracic dysplasia 13 with or without polydactyly (SRTD13). Identifiers: Orphanet 474, MedGen C4225378, MONDO:0014577, OMIM 616300.

Submission:

Labcorp Genetics (formerly Invitae), Labcorp
Classification: Pathogenic for Short-rib thoracic dysplasia 13 with or without polydactyly. Last evaluated: 2024-08-02. Review status: criteria provided, single submitter. Criteria: Invitae Variant Classification Sherloc (09022015). Collection method: clinical testing. Allele origin: germline.
Comment: This sequence change creates a premature translational stop signal (p.Ser392*) in the CEP120 gene. It is expected to result in an absent or disrupted protein product. Loss-of-function variants in CEP120 are known to be pathogenic (PMID: 25251415, 27208211). This variant is not present in population databases (gnomAD no frequency). This variant has not been reported in the literature in individuals affected with CEP120-related conditions. For these reasons, this variant has been classified as Pathogenic.

Literature cited by the submitters: PubMed 25251415; PubMed 27208211.